The following is an entry in ClinVar:

ClinVar aggregate classification (germline): Uncertain significance (1 of 4 stars; one submission).

Conditions:
Autoimmune lymphoproliferative syndrome type 2A (ALPS2A). Also called: AUTOIMMUNE LYMPHOPROLIFERATIVE SYNDROME, TYPE IIA; CASP10-Related Autoimmune Lymphoproliferative Syndrome; Autoimmune lymphoproliferative syndrome type 2. Identifiers: Orphanet 3261, MedGen C1858968, MONDO:0011383, OMIM 603909.

Allele frequency attached by ClinVar (database versions not stated): gnomAD exomes below 0.00001; gnomAD 0.00001.
gnomAD v4.1: 2 of 1,613,944 alleles (0.00012%); highest among the groups gnomAD compares: African/African-American, 0.0013%; no homozygotes.

Submission:

Labcorp Genetics (formerly Invitae), Labcorp
Classification: Uncertain significance for Autoimmune lymphoproliferative syndrome type 2A. Last evaluated: 2025-07-07. Review status: criteria provided, single submitter. Criteria: Invitae Variant Classification Sherloc (09022015). Collection method: clinical testing. Allele origin: germline.
Comment: This sequence change replaces lysine, which is basic and polar, with asparagine, which is neutral and polar, at codon 132 of the CASP10 protein (p.Lys132Asn). This variant is not present in population databases (gnomAD no frequency). This variant has not been reported in the literature in individuals affected with CASP10-related conditions. ClinVar contains an entry for this variant (Variation ID: 1477607). Invitae Evidence Modeling of protein sequence and biophysical properties (such as structural, functional, and spatial information, amino acid conservation, physicochemical variation, residue mobility, and thermodynamic stability) indicates that this missense variant is not expected to disrupt CASP10 protein function with a negative predictive value of 80%. In summary, the available evidence is currently insufficient to determine the role of this variant in disease. Therefore, it has been classified as a Variant of Uncertain Significance.

NM_032977.4(CASP10):c.396G>C (p.Lys132Asn)

Gene: CASP10 (caspase 10; plus strand). Cytogenetic location: 2q33.1.
Variant type: single nucleotide variant.
Coding change: c.396G>C on transcript NM_032977.4 (MANE Select); coding-DNA position 396, G replaced by C.
Protein change: p.Lys132Asn; replaces lysine 132 with asparagine.
Molecular consequence: missense variant.
Genome position (GRCh38, 1-based): chr2:201,187,754, G>C. VCF-style: chr2-201187754-G-C. GRCh37 (hg19) VCF-style: chr2-202052477-G-C.
Other names: c.396G>C, p.Lys132Asn (NM_001206524.2, NM_001206542.2, NM_001230.5 and 3 more transcripts); short protein forms K132N.
Identifiers: ClinVar variation 1477607 (VCV001477607.8), dbSNP rs1944465097, ClinGen allele CA350278227.
Genomic context (GRCh38, chr2:201,187,754, plus strand): 5'-TGTGTGTCTTAGAAACCTGCTCTACGAACTGTCAGAAGGCATTGACTCAGAGAACTTAAA[G>C]GACATGATCTTCCTTCTGAAAGACTCGCTTCCCAAAACTGAAATGGTGAGTGGGTCATAC-3'
Protein context (NP_116759.2, residues 122-142): LSEGIDSENL[Lys132Asn]DMIFLLKDSL